The following is an entry in ClinVar:

ClinVar aggregate classification (germline): Pathogenic (1 of 4 stars; one submission).

Conditions:
Hypertrophic cardiomyopathy. Also called: HYPERTROPHIC MYOCARDIOPATHY. Identifiers: Orphanet 217569, MedGen C0007194, MeSH D002312, MONDO:0005045, HP:0001639.

Submission:

Labcorp Genetics (formerly Invitae), Labcorp
Classification: Pathogenic for Hypertrophic cardiomyopathy. Last evaluated: 2025-11-10. Review status: criteria provided, single submitter. Criteria: Invitae Variant Classification Sherloc (09022015). Collection method: clinical testing. Allele origin: germline.
Comment: This sequence change creates a premature translational stop signal (p.Glu70Lysfs*26) in the MYBPC3 gene. It is expected to result in an absent or disrupted protein product. Loss-of-function variants in MYBPC3 are known to be pathogenic (PMID: 19574547). This variant is not present in population databases (gnomAD no frequency). This premature translational stop signal has been observed in individual(s) with hypertrophic cardiomyopathy (PMID: 29661763). For these reasons, this variant has been classified as Pathogenic.

Literature cited by the submitters: PubMed 19574547; PubMed 29661763.

NM_000256.3(MYBPC3):c.208del (p.Glu70fs)

Gene: MYBPC3 (myosin binding protein C3; minus strand). Cytogenetic location: 11p11.2.
Variant type: Deletion.
Coding change: c.208del on transcript NM_000256.3 (MANE Select); coding-DNA position 208, one base deleted (G; older notation c.208delG).
Protein change: p.Glu70fs; shifts the reading frame from glutamic acid 70.
Molecular consequence: frameshift variant.
Genome position (GRCh38, 1-based): chr11:47,351,323, C deleted on the plus strand (G on the coding strand, the reverse complement: MYBPC3 is on the minus strand); the first of 3 consecutive C bases (chr11:47,351,323-47,351,325); deleting any one gives the same sequence. VCF-style (leftmost placement, unchanged base first): chr11-47351322-TC-T. GRCh37 (hg19) VCF-style: chr11-47372873-TC-T.
Other names: short protein forms E70fs.
Identifiers: ClinVar variation 4737612 (VCV004737612.1).
Genomic context (GRCh38, chr11:47,351,322, plus strand): 5'-AACTTGACCTTGGAGGAGCCAGCAATGACTGCGTAAGATCCCTGGTCGGCAGGGCCCACT[TC>T]CCGCACTGTCAGCGTATGCCGTGTGCCCTCTGTGGCCAGGCCGTACTTGTTGCTGGCGCT-3'